The following is an entry in ClinVar:

NM_001009944.3(PKD1):c.6562G>T (p.Glu2188Ter)

Gene: PKD1 (polycystin 1, transient receptor potential channel interacting; minus strand). Cytogenetic location: 16p13.3.
Variant type: single nucleotide variant.
Coding change: c.6562G>T on transcript NM_001009944.3 (MANE Select); coding-DNA position 6562, G replaced by T.
Protein change: p.Glu2188Ter; replaces glutamic acid 2188 with a stop codon.
Molecular consequence: nonsense.
Genome position (GRCh38, 1-based): chr16:2,108,605, C>A on the plus strand (G>T on the coding strand, the complement: PKD1 is on the minus strand). VCF-style: chr16-2108605-C-A. GRCh37 (hg19) VCF-style: chr16-2158606-C-A.
Other names: c.6562G>T, p.Glu2188Ter (NM_000296.4); short protein forms E2188*.
Identifiers: ClinVar variation 3381976 (VCV003381976.2).

ClinVar aggregate classification (germline): Pathogenic (1 of 4 stars; one submission).

Conditions:
Polycystic kidney disease, adult type (PKD1). Also called: POLYCYSTIC KIDNEY DISEASE, ADULT, TYPE I; Polycystic Kidney Disease 1, Autosomal Dominant; Polycystic kidney disease 1; Polycystic kidney disease 1, severe; Polycystic Kidney, Autosomal Dominant; POLYCYSTIC KIDNEY DISEASE 1 WITH OR WITHOUT POLYCYSTIC LIVER DISEASE. Identifiers: MedGen C3149841, MONDO:0008263, OMIM 173900.

Submission:

Juno Genomics, Hangzhou Juno Genomics, Inc
Classification: Pathogenic for Polycystic kidney disease, adult type. Review status: criteria provided, single submitter. Criteria: ACMG Guidelines, 2015. Collection method: clinical testing. Allele origin: germline. Affected: yes.
Comment: Null variant in a gene where loss of function (LOF) is a known mechanism of disease.;Absent from controls (or at extremely low frequency if recessive) in Genome Aggregation Database, Exome Sequencing Project, 1000 Genomes Project, or Exome Aggregation Consortium.;Patient's phenotype or family history is highly specific for a disease with a single genetic etiology.